The following is an entry in ClinVar:

ClinVar aggregate classification (germline): Uncertain significance (1 of 4 stars; one submission).

Submission:

GeneDx
Classification: Uncertain significance. Last evaluated: 2024-05-07. Review status: criteria provided, single submitter. Criteria: GeneDx Variant Classification Process June 2021. Collection method: clinical testing. Allele origin: germline. Affected: yes.
Comment: Not observed at significant frequency in large population cohorts (gnomAD); In silico analysis indicates that this missense variant does not alter protein structure/function; Has not been previously published as pathogenic or benign to our knowledge

NM_001386298.1(CIC):c.6710G>C (p.Gly2237Ala)

Gene: CIC (capicua transcriptional repressor; plus strand). Cytogenetic location: 19q13.2.
Variant type: single nucleotide variant.
Coding change: c.6710G>C on transcript NM_001386298.1 (MANE Select); coding-DNA position 6710, G replaced by C.
Protein change: p.Gly2237Ala; replaces glycine 2237 with alanine.
Molecular consequence: missense variant.
Genome position (GRCh38, 1-based): chr19:42,293,779, G>C. VCF-style: chr19-42293779-G-C. GRCh37 (hg19) VCF-style: chr19-42797931-G-C.
Other names: c.6710G>C, p.Gly2237Ala (NM_001304815.2, NM_001379482.1); c.6707G>C, p.Gly2236Ala (NM_001379480.1); c.3983G>C, p.Gly1328Ala (NM_001379484.1, NM_001379485.1, NM_015125.5); short protein forms G1328A, G2236A, G2237A.
Identifiers: ClinVar variation 3375962 (VCV003375962.1).